The following is an entry in ClinVar:

ClinVar aggregate classification (germline): Conflicting classifications of pathogenicity. Review status: criteria provided, conflicting classifications (1 of 4 stars). 5 submissions from 5 submitters: Uncertain significance (1); Likely benign (3). 1 of the submissions does not count toward it. Last evaluated 2025-11-15.

Conditions:
Congenital stationary night blindness 1F. Also called: Night blindness, congenital stationary (complete), 1F, autosomal recessive. Identifiers: Orphanet 215, MedGen C3554399, MONDO:0014026, OMIM 615058.
Inborn genetic diseases. Identifiers: MedGen C0950123, MeSH D030342.
LRIT3-related disorder. Also called: LRIT3-related condition.

Allele frequency attached by ClinVar (database versions not stated): gnomAD 0.00034 and 0.00048; TOPMed 0.00055; ExAC 0.00089; gnomAD exomes 0.00094; 1000 Genomes Project 30x 0.00219; 1000 Genomes Project 0.00240.
gnomAD v4.1: 884 of 1,614,242 alleles (0.055%); highest among the groups gnomAD compares: East Asian, 1.4%; 8 homozygotes.

Submissions (5):

Labcorp Genetics (formerly Invitae), Labcorp
Classification: Likely benign. Last evaluated: 2025-11-15. Review status: criteria provided, single submitter. Criteria: Invitae Variant Classification Sherloc (09022015). Collection method: clinical testing. Allele origin: germline.

Blueprint Genetics
Classification: Likely benign. Last evaluated: 2024-11-15. Review status: criteria provided, single submitter. Criteria: ACMG Guidelines, 2015. Collection method: clinical testing. Allele origin: germline.

Ambry Genetics
Classification: Uncertain significance for Inborn genetic diseases. Last evaluated: 2023-05-10. Review status: criteria provided, single submitter. Criteria: Ambry Variant Classification Scheme 2023. Collection method: clinical testing. Allele origin: germline.

Illumina Laboratory Services, Illumina
Classification: Likely benign for Congenital stationary night blindness 1F. Last evaluated: 2018-01-13. Review status: criteria provided, single submitter. Criteria: ICSL Variant Classification Criteria 13 December 2019. Collection method: clinical testing. Allele origin: germline.
Comment: This variant was observed in the ICSL laboratory as part of a predisposition screen in an ostensibly healthy population. It had not been previously curated by ICSL or reported in the Human Gene Mutation Database (HGMD: prior to June 1st, 2018), and was therefore a candidate for classification through an automated scoring system. Utilizing variant allele frequency, disease prevalence and penetrance estimates, and inheritance mode, an automated score was calculated to assess if this variant is too frequent to cause the disease. Based on the score and internal cut-off values, a variant classified as likely benign is not then subjected to further curation. The score for this variant resulted in a classification of likely benign for this disease.

PreventionGenetics, part of Exact Sciences
Classification: Benign for LRIT3-related condition. Last evaluated: 2019-07-12. Review status: no assertion criteria provided. Collection method: clinical testing. Allele origin: germline. Not counted in ClinVar's aggregate classification.
Comment: This variant is classified as benign based on ACMG/AMP sequence variant interpretation guidelines (Richards et al. 2015 PMID: 25741868, with internal and published modifications).

NM_198506.5(LRIT3):c.1445A>C (p.Glu482Ala)

Gene: LRIT3 (leucine rich repeat, Ig-like and transmembrane domains 3; plus strand). Cytogenetic location: 4q25.
Variant type: single nucleotide variant.
Coding change: c.1445A>C on transcript NM_198506.5 (MANE Select); coding-DNA position 1445, A replaced by C.
Protein change: p.Glu482Ala; replaces glutamic acid 482 with alanine.
Molecular consequence: missense variant.
Genome position (GRCh38, 1-based): chr4:109,870,194, A>C. VCF-style: chr4-109870194-A-C. GRCh37 (hg19) VCF-style: chr4-110791350-A-C.
Other names: c.1310A>C (NM_198506.2); short protein forms E482A.
Identifiers: ClinVar variation 347193 (VCV000347193.18), dbSNP rs75722024, ClinGen allele CA3043187.
Genomic context (GRCh38, chr4:109,870,194, plus strand): 5'-CTCCAGCCAGCACAAGTAAGAAAGAAGAGCTGGCATTGTTGGATCAAACAATGCTTACGG[A>C]GACAAATGCCGCAATAGAAAACCTCAGGGTGGTCAGTGAGACTAAAGAGAGTGTGACATT-3'
Protein context (NP_940908.3, residues 472-492): LALLDQTMLT[Glu482Ala]TNAAIENLRV